The following is an entry in ClinVar:

ClinVar aggregate classification (germline): Uncertain significance (1 of 4 stars; one submission).

Allele frequency attached by ClinVar (database versions not stated): gnomAD exomes below 0.00001.
gnomAD v4.1: 5 of 1,614,120 alleles (0.00031%); highest among the groups gnomAD compares: South Asian, 0.0011%; no homozygotes.

Submission:

Labcorp Genetics (formerly Invitae), Labcorp
Classification: Uncertain significance. Last evaluated: 2022-06-03. Review status: criteria provided, single submitter. Criteria: Invitae Variant Classification Sherloc (09022015). Collection method: clinical testing. Allele origin: germline.
Comment: Algorithms developed to predict the effect of missense changes on protein structure and function output the following: SIFT: "Tolerated"; PolyPhen-2: "Benign"; Align-GVGD: "Class C0". The arginine amino acid residue is found in multiple mammalian species, which suggests that this missense change does not adversely affect protein function. In summary, the available evidence is currently insufficient to determine the role of this variant in disease. Therefore, it has been classified as a Variant of Uncertain Significance. ClinVar contains an entry for this variant (Variation ID: 1405316). This sequence change replaces lysine, which is basic and polar, with arginine, which is basic and polar, at codon 1779 of the ARID1B protein (p.Lys1779Arg). This variant is present in population databases (no rsID available, gnomAD 0.003%). This variant has not been reported in the literature in individuals affected with ARID1B-related conditions.

NM_001374828.1(ARID1B):c.5705A>G (p.Lys1902Arg)

Gene: ARID1B (AT-rich interaction domain 1B; plus strand). Cytogenetic location: 6q25.3.
Variant type: single nucleotide variant.
Coding change: c.5705A>G on transcript NM_001374828.1 (MANE Select); coding-DNA position 5705, A replaced by G.
Protein change: p.Lys1902Arg; replaces lysine 1902 with arginine.
Molecular consequence: missense variant.
Genome position (GRCh38, 1-based): chr6:157,206,477, A>G. VCF-style: chr6-157206477-A-G. GRCh37 (hg19) VCF-style: chr6-157527611-A-G.
Other names: c.3206A>G, p.Lys1069Arg (NM_001363725.2); c.5585A>G, p.Lys1862Arg (NM_001371656.1, NM_001374820.1); c.5546A>G, p.Lys1849Arg (NM_017519.3); short protein forms K1849R, K1902R, K1069R, K1862R.
Identifiers: ClinVar variation 1405316 (VCV001405316.8), dbSNP rs1174477597, ClinGen allele CA366246650.